The following is an entry in ClinVar:

ClinVar aggregate classification (germline): Benign. Review status: criteria provided, multiple submitters, no conflicts (2 of 4 stars). 2 submissions from 2 submitters: Benign (2). Last evaluated 2019-12-31.

Conditions:
Arthrogryposis, distal, type 1B. Identifiers: Orphanet 1146, MedGen C3280526, MONDO:0013698, OMIM 614335.

Allele frequency attached by ClinVar (database versions not stated): gnomAD 0.00219 and 0.00230; ESP Exome Variant Server 0.00238; TOPMed 0.00240; gnomAD exomes 0.00027 and 0.00066; 1000 Genomes Project 30x 0.00344; 1000 Genomes Project 0.00359; ExAC 0.00083.
gnomAD v4.1: 767 of 1,613,992 alleles (0.048%); highest among the groups gnomAD compares: African/African-American, 0.76%; 3 homozygotes.

Submissions (2):

Labcorp Genetics (formerly Invitae), Labcorp
Classification: Benign. Last evaluated: 2019-12-31. Review status: criteria provided, single submitter. Criteria: Invitae Variant Classification Sherloc (09022015). Collection method: clinical testing. Allele origin: germline.

Illumina Laboratory Services, Illumina
Classification: Benign for Arthrogryposis, distal, type 1B. Last evaluated: 2018-01-12. Review status: criteria provided, single submitter. Criteria: ICSL Variant Classification Criteria 13 December 2019. Collection method: clinical testing. Allele origin: germline.
Comment: This variant was observed in the ICSL laboratory as part of a predisposition screen in an ostensibly healthy population. It had not been previously curated by ICSL or reported in the Human Gene Mutation Database (HGMD: prior to June 1st, 2018), and was therefore a candidate for classification through an automated scoring system. Utilizing variant allele frequency, disease prevalence and penetrance estimates, and inheritance mode, an automated score was calculated to assess if this variant is too frequent to cause the disease. Based on the score and internal cut-off values, a variant classified as benign is not then subjected to further curation. The score for this variant resulted in a classification of benign for this disease.

NM_002465.4(MYBPC1):c.438+9C>G

Gene: MYBPC1 (myosin binding protein C1; plus strand). Cytogenetic location: 12q23.2.
Variant type: single nucleotide variant.
Coding change: c.438+9C>G on transcript NM_002465.4 (MANE Select); 9 bases into the intron after coding-DNA position 438, C replaced by G.
Molecular consequence: intron variant.
Genome position (GRCh38, 1-based): chr12:101,631,728, C>G. VCF-style: chr12-101631728-C-G. GRCh37 (hg19) VCF-style: chr12-102025506-C-G.
Other names: c.438+9C>G (NM_206819.4, NM_001404675.1); c.363+9C>G (NM_001254718.3, NM_206820.4, NM_001254719.3 and 4 more transcripts); c.327+9C>G (NM_001254720.3); c.324+9C>G (NM_001254723.3); c.285+9C>G (NM_001254722.3, NM_001404680.1, NM_001404679.1 and 2 more transcripts).
Identifiers: ClinVar variation 306721 (VCV000306721.11), dbSNP rs186857045, ClinGen allele CA6744509.